The following is an entry in ClinVar:

NM_206933.4(USH2A):c.15552C>G (p.Ile5184Met)

Gene: USH2A (usherin; minus strand). Cytogenetic location: 1q41.
Variant type: single nucleotide variant.
Coding change: c.15552C>G on transcript NM_206933.4 (MANE Select); coding-DNA position 15552, C replaced by G.
Protein change: p.Ile5184Met; replaces isoleucine 5184 with methionine.
Molecular consequence: missense variant.
Genome position (GRCh38, 1-based): chr1:215,625,838, G>C on the plus strand (C>G on the coding strand, the complement: USH2A is on the minus strand). VCF-style: chr1-215625838-G-C. GRCh37 (hg19) VCF-style: chr1-215799180-G-C.
Other names: short protein forms I5184M.
Identifiers: ClinVar variation 1448973 (VCV001448973.5), dbSNP rs1656001161, ClinGen allele CA344820342.

ClinVar aggregate classification (germline): Uncertain significance (1 of 4 stars; one submission).

Submission:

Labcorp Genetics (formerly Invitae), Labcorp
Classification: Uncertain significance. Last evaluated: 2022-07-05. Review status: criteria provided, single submitter. Criteria: Invitae Variant Classification Sherloc (09022015). Collection method: clinical testing. Allele origin: germline.
Comment: This sequence change replaces isoleucine, which is neutral and non-polar, with methionine, which is neutral and non-polar, at codon 5184 of the USH2A protein (p.Ile5184Met). This variant is not present in population databases (gnomAD no frequency). This variant has not been reported in the literature in individuals affected with USH2A-related conditions. ClinVar contains an entry for this variant (Variation ID: 1448973). Algorithms developed to predict the effect of missense changes on protein structure and function are either unavailable or do not agree on the potential impact of this missense change (SIFT: "Deleterious"; PolyPhen-2: "Benign"; Align-GVGD: "Class C0"). In summary, the available evidence is currently insufficient to determine the role of this variant in disease. Therefore, it has been classified as a Variant of Uncertain Significance.